The following is an entry in ClinVar:

ClinVar aggregate classification (germline): Uncertain significance. Review status: criteria provided, multiple submitters, no conflicts (2 of 4 stars). 2 submissions from 2 submitters: Uncertain significance (2). Last evaluated 2024-10-23.

Conditions:
Episodic ataxia type 2 (EA2). Also called: ATAXIA, EPISODIC, WITH NYSTAGMUS; ATAXIA, FAMILIAL PAROXYSMAL; CEREBELLAR ATAXIA, PAROXYSMAL, ACETAZOLAMIDE-RESPONSIVE; CEREBELLOPATHY, HEREDITARY PAROXYSMAL; EPISODIC ATAXIA, NYSTAGMUS-ASSOCIATED; ACETAZOLAMIDE-RESPONSIVE HEREDITARY PAROXYSMAL CEREBELLAR ATAXIA. Identifiers: Orphanet 97, MedGen C1720416, MONDO:0007163, OMIM 108500.
Developmental and epileptic encephalopathy, 42 (DEE42A). Also called: Epileptic encephalopathy, early infantile, 42; DEVELOPMENTAL AND EPILEPTIC ENCEPHALOPATHY 42A; EPILEPTIC ENCEPHALOPATHY, EARLY INFANTILE, 42A. Identifiers: MedGen C4310716, MONDO:0014917, OMIM 617106.

gnomAD v4.1: 4 of 1,504,144 alleles (0.00027%); highest among the groups gnomAD compares: Non-Finnish European, 0.00035%; no homozygotes.

Submissions (2):

Labcorp Genetics (formerly Invitae), Labcorp
Classification: Uncertain significance for Developmental and epileptic encephalopathy, 42; Episodic ataxia type 2. Last evaluated: 2024-10-23. Review status: criteria provided, single submitter. Criteria: Invitae Variant Classification Sherloc (09022015). Collection method: clinical testing. Allele origin: germline.
Comment: This sequence change replaces tyrosine, which is neutral and polar, with phenylalanine, which is neutral and non-polar, at codon 12 of the CACNA1A protein (p.Tyr12Phe). This variant is not present in population databases (gnomAD no frequency). This variant has not been reported in the literature in individuals affected with CACNA1A-related conditions. ClinVar contains an entry for this variant (Variation ID: 1254034). Invitae Evidence Modeling of protein sequence and biophysical properties (such as structural, functional, and spatial information, amino acid conservation, physicochemical variation, residue mobility, and thermodynamic stability) has been performed for this missense variant. However, the output from this modeling did not meet the statistical confidence thresholds required to predict the impact of this variant on CACNA1A protein function. In summary, the available evidence is currently insufficient to determine the role of this variant in disease. Therefore, it has been classified as a Variant of Uncertain Significance.

GeneDx
Classification: Uncertain significance. Last evaluated: 2023-08-07. Review status: criteria provided, single submitter. Criteria: GeneDx Variant Classification Process June 2021. Collection method: clinical testing. Allele origin: germline. Affected: yes.
Comment: Not observed at significant frequency in large population cohorts (gnomAD); In silico analysis supports that this missense variant has a deleterious effect on protein structure/function; Has not been previously published as pathogenic or benign to our knowledge; In-silico analysis, which includes splice predictors and evolutionary conservation, is inconclusive as to whether the variant alters gene splicing. In the absence of RNA/functional studies, the actual effect of this sequence change is unknown.

NM_001127222.2(CACNA1A):c.35A>T (p.Tyr12Phe)

Gene: CACNA1A (calcium voltage-gated channel subunit alpha1 A; minus strand). Cytogenetic location: 19p13.13.
Variant type: single nucleotide variant.
Coding change: c.35A>T on transcript NM_001127222.2 (MANE Select); coding-DNA position 35, A replaced by T.
Protein change: p.Tyr12Phe; replaces tyrosine 12 with phenylalanine.
Molecular consequence: missense variant.
Genome position (GRCh38, 1-based): chr19:13,506,190, T>A on the plus strand (A>T on the coding strand, the complement: CACNA1A is on the minus strand). VCF-style: chr19-13506190-T-A. GRCh37 (hg19) VCF-style: chr19-13617004-T-A.
Other names: c.35A>T, p.Tyr12Phe (NM_000068.4, NM_001127221.2, NM_001174080.2 and 1 more transcripts); short protein forms Y12F.
Identifiers: ClinVar variation 1254034 (VCV001254034.7), dbSNP rs994265107, ClinGen allele CA404971335.